The following is an entry in ClinVar:

NM_006012.4(CLPP):c.770C>T (p.Thr257Met)

Gene: CLPP (caseinolytic mitochondrial matrix peptidase proteolytic subunit; plus strand). Cytogenetic location: 19p13.3.
Variant type: single nucleotide variant.
Coding change: c.770C>T on transcript NM_006012.4 (MANE Select); coding-DNA position 770, C replaced by T.
Protein change: p.Thr257Met; replaces threonine 257 with methionine.
Molecular consequence: missense variant.
Genome position (GRCh38, 1-based): chr19:6,368,646, C>T. VCF-style: chr19-6368646-C-T. GRCh37 (hg19) VCF-style: chr19-6368657-C-T.
Other names: short protein forms T257M.
Identifiers: ClinVar variation 1920166 (VCV001920166.5), dbSNP rs551697175, ClinGen allele CA9123024.
Genomic context (GRCh38, chr19:6,368,646, plus strand): 5'-AGTTTGGCATCTTAGACAAGGTTCTGGTCCACCCTCCCCAGGACGGTGAGGATGAGCCCA[C>T]GCTGGTGCAGAAGGAGCCTGTAGAAGCAGCGCCGGCAGCAGAACCTGTCCCAGCTAGCAC-3'
Protein context (NP_006003.1, residues 247-267): HPPQDGEDEP[Thr257Met]LVQKEPVEAA

ClinVar aggregate classification (germline): Uncertain significance (1 of 4 stars; one submission).

Allele frequency attached by ClinVar (database versions not stated): ExAC 0.00001; gnomAD exomes 0.00002; gnomAD 0.00003; TOPMed 0.00004; 1000 Genomes Project 0.00020; 1000 Genomes Project 30x 0.00031.
gnomAD v4.1: 26 of 1,603,976 alleles (0.0016%); highest among the groups gnomAD compares: African/African-American, 0.019%; no homozygotes.

Submission:

Labcorp Genetics (formerly Invitae), Labcorp
Classification: Uncertain significance. Last evaluated: 2024-10-15. Review status: criteria provided, single submitter. Criteria: Invitae Variant Classification Sherloc (09022015). Collection method: clinical testing. Allele origin: germline.
Comment: This sequence change replaces threonine, which is neutral and polar, with methionine, which is neutral and non-polar, at codon 257 of the CLPP protein (p.Thr257Met). The frequency data for this variant in the population databases is considered unreliable, as metrics indicate poor data quality at this position in the gnomAD database. This variant has not been reported in the literature in individuals affected with CLPP-related conditions. ClinVar contains an entry for this variant (Variation ID: 1920166). An algorithm developed to predict the effect of missense changes on protein structure and function (PolyPhen-2) suggests that this variant is likely to be tolerated. In summary, the available evidence is currently insufficient to determine the role of this variant in disease. Therefore, it has been classified as a Variant of Uncertain Significance.